The following is an entry in ClinVar:

ClinVar aggregate classification (germline): Uncertain significance. Review status: criteria provided, multiple submitters, no conflicts (2 of 4 stars). 2 submissions from 2 submitters: Uncertain significance (2). Last evaluated 2021-06-06.

Conditions:
Joubert syndrome. Also called: Familial aplasia of the vermis; CEREBELLOPARENCHYMAL DISORDER IV; JOUBERT-BOLTSHAUSER SYNDROME. Identifiers: Orphanet 475, MedGen C5979921, MONDO:0018772.
Meckel-Gruber syndrome. Also called: Dysencephalia splachnocystica; DYSENCEPHALIA SPLANCHNOCYSTICA; GRUBER SYNDROME. Identifiers: Orphanet 564, MedGen C0265215, MONDO:0018921.
Joubert syndrome 13 (JBTS13). Identifiers: Orphanet 475, MedGen C3280031, MONDO:0013608, OMIM 614173.

Submissions (2):

Labcorp Genetics (formerly Invitae), Labcorp
Classification: Uncertain significance for Joubert syndrome; Meckel-Gruber syndrome. Last evaluated: 2021-06-06. Review status: criteria provided, single submitter. Criteria: Invitae Variant Classification Sherloc (09022015). Collection method: clinical testing. Allele origin: germline.
Comment: This variant is not present in population databases (ExAC no frequency). In summary, the available evidence is currently insufficient to determine the role of this variant in disease. Therefore, it has been classified as a Variant of Uncertain Significance. Algorithms developed to predict the effect of missense changes on protein structure and function output the following: SIFT: "Tolerated"; PolyPhen-2: "Benign"; Align-GVGD: "Class C0". The isoleucine amino acid residue is found in multiple mammalian species, suggesting that this missense change does not adversely affect protein function. These predictions have not been confirmed by published functional studies and their clinical significance is uncertain. This variant has not been reported in the literature in individuals with TCTN1-related conditions. ClinVar contains an entry for this variant (Variation ID: 1033278). This sequence change replaces valine with isoleucine at codon 427 of the TCTN1 protein (p.Val427Ile). The valine residue is weakly conserved and there is a small physicochemical difference between valine and isoleucine.

Baylor Genetics
Classification: Uncertain significance for Joubert syndrome 13. Last evaluated: 2018-06-27. Review status: criteria provided, single submitter. Criteria: ACMG Guidelines, 2015. Collection method: clinical testing. Allele origin: maternal. Affected: yes.
Comment: This variant was determined to be of uncertain significance according to ACMG Guidelines, 2015 [PMID:25741868].

NM_001082538.3(TCTN1):c.1279G>A (p.Val427Ile)

Gene: TCTN1 (tectonic family member 1; plus strand). Cytogenetic location: 12q24.11.
Variant type: single nucleotide variant.
Coding change: c.1279G>A on transcript NM_001082538.3 (MANE Select); coding-DNA position 1279, G replaced by A.
Protein change: p.Val427Ile; replaces valine 427 with isoleucine.
Molecular consequence: missense variant. On other transcripts: intron variant (2).
Genome position (GRCh38, 1-based): chr12:110,642,337, G>A. VCF-style: chr12-110642337-G-A. GRCh37 (hg19) VCF-style: chr12-111080142-G-A.
Other names: c.1279G>A, p.Val427Ile (NM_001082537.3); c.1111G>A, p.Val371Ile (NM_001173975.3); c.745G>A, p.Val249Ile (NM_001319681.2); c.1237G>A, p.Val413Ile (NM_024549.6); c.1010+710G>A (NM_001173976.2); c.1190+710G>A (NM_001319680.2); short protein forms V371I, V249I, V413I, V427I.
Identifiers: ClinVar variation 1033278 (VCV001033278.9), dbSNP rs560599144, ClinGen allele CA386705508.